The following is an entry in ClinVar:

ClinVar aggregate classification (germline): Benign/Likely benign. Review status: criteria provided, multiple submitters, no conflicts (2 of 4 stars). 8 submissions from 8 submitters: Benign (1); Likely benign (7). Last evaluated 2026-01-08.

Conditions:
Charcot-Marie-Tooth disease. Also called: Charcot-Marie-Tooth Neuropathy; Charcot-Marie-Tooth Hereditary Neuropathy. Identifiers: Orphanet 166, MedGen C0007959, MONDO:0015626.
Charcot-Marie-Tooth disease type 2. Also called: Charcot-Marie-Tooth type 2. Identifiers: Orphanet 64746, MedGen C0270914, MONDO:0018993.
Neuroblastoma (NB). Identifiers: Orphanet 635, MedGen C0027819, MeSH D009447, MONDO:0005072, HP:0003006.

Allele frequency attached by ClinVar (database versions not stated): 1000 Genomes Project 30x 0.00016; gnomAD 0.00019 and 0.00025; 1000 Genomes Project 0.00020; ESP Exome Variant Server 0.00023; TOPMed 0.00027; gnomAD exomes 0.00031; ExAC 0.00037.
gnomAD v4.1: 362 of 1,614,070 alleles (0.022%); highest among the groups gnomAD compares: Middle Eastern, 0.25%; 1 homozygote.

Submissions (8):

Labcorp Genetics (formerly Invitae), Labcorp
Classification: Likely benign for Charcot-Marie-Tooth disease type 2. Last evaluated: 2026-01-08. Review status: criteria provided, single submitter. Criteria: Invitae Variant Classification Sherloc (09022015). Collection method: clinical testing. Allele origin: germline.

CeGaT Center for Human Genetics Tuebingen
Classification: Likely benign. Last evaluated: 2025-11-01. Review status: criteria provided, single submitter. Criteria: CeGaT Center For Human Genetics Tuebingen Variant Classification Criteria Version 2. Collection method: clinical testing. Allele origin: germline. Affected: yes. Observed: 7 variant alleles.
Comment: KIF1B: BP4, BP7

Women's Health and Genetics/Laboratory Corporation of America, LabCorp
Classification: Likely benign. Last evaluated: 2025-05-05. Review status: criteria provided, single submitter. Criteria: LabCorp Variant Classification Summary - May 2015. Collection method: clinical testing. Allele origin: germline.

Blueprint Genetics
Classification: Likely benign. Last evaluated: 2024-10-14. Review status: criteria provided, single submitter. Criteria: ACMG Guidelines, 2015. Collection method: clinical testing. Allele origin: germline.

Ambry Genetics
Classification: Benign. Last evaluated: 2020-09-18. Review status: criteria provided, single submitter. Criteria: Ambry Variant Classification Scheme 2023. Collection method: clinical testing. Allele origin: germline.

Illumina Laboratory Services, Illumina
Classification: Likely benign for Neuroblastoma. Last evaluated: 2018-01-13. Review status: criteria provided, single submitter. Criteria: ICSL Variant Classification Criteria 13 December 2019. Collection method: clinical testing. Allele origin: germline.
Comment: This variant was observed in the ICSL laboratory as part of a predisposition screen in an ostensibly healthy population. It had not been previously curated by ICSL or reported in the Human Gene Mutation Database (HGMD: prior to June 1st, 2018), and was therefore a candidate for classification through an automated scoring system. Utilizing variant allele frequency, disease prevalence and penetrance estimates, and inheritance mode, an automated score was calculated to assess if this variant is too frequent to cause the disease. Based on the score and internal cut-off values, a variant classified as likely benign is not then subjected to further curation. The score for this variant resulted in a classification of likely benign for this disease.

Breakthrough Genomics
Classification: Likely benign. Review status: criteria provided, single submitter. Criteria: ACMG Guidelines, 2015. Collection method: not provided. Allele origin: germline. Inheritance: Autosomal dominant inheritance. Affected: yes.

Molecular Genetics Laboratory, London Health Sciences Centre
Classification: Likely benign for Charcot-Marie-Tooth disease. Review status: criteria provided, single submitter. Criteria: ACMG Guidelines, 2015. Collection method: clinical testing. Allele origin: germline. Affected: yes.

NM_001365951.3(KIF1B):c.3636G>A (p.Pro1212=)

Gene: KIF1B (kinesin family member 1B; plus strand). Cytogenetic location: 1p36.22.
Variant type: single nucleotide variant.
Coding change: c.3636G>A on transcript NM_001365951.3 (MANE Select); coding-DNA position 3636, G replaced by A.
Protein change: p.Pro1212=; no amino-acid change (proline 1212 retained).
Molecular consequence: synonymous variant.
Genome position (GRCh38, 1-based): chr1:10,343,235, G>A. VCF-style: chr1-10343235-G-A. GRCh37 (hg19) VCF-style: chr1-10403293-G-A.
Other names: c.3636G>A, p.Pro1212= (NM_001365952.1); c.3498G>A, p.Pro1166= (NM_015074.3).
Identifiers: ClinVar variation 291571 (VCV000291571.45), dbSNP rs140229905, ClinGen allele CA581833.